The following is an entry in ClinVar:

ClinVar aggregate classification (germline): Conflicting classifications of pathogenicity. Review status: criteria provided, conflicting classifications (1 of 4 stars). 3 submissions from 3 submitters: Uncertain significance (2); Likely benign (1). Last evaluated 2025-06-01.

Conditions:
Hereditary motor and sensory neuropathy, Okinawa type (HMSNO). Also called: HEREDITARY MOTOR AND SENSORY NEUROPATHY, PROXIMAL TYPE. Identifiers: Orphanet 90117, MedGen C1858338, MONDO:0011468, OMIM 604484.
Hereditary spastic paraplegia 57. Also called: Spastic paraplegia 57, autosomal recessive. Identifiers: Orphanet 431329, MedGen C3714897, MONDO:0014295, OMIM 615658.
Inborn genetic diseases. Identifiers: MedGen C0950123, MeSH D030342.

Allele frequency attached by ClinVar (database versions not stated): gnomAD 0.00003 and 0.00002; ExAC 0.00004; gnomAD exomes 0.00005 and 0.00007; ESP Exome Variant Server 0.00008; TOPMed 0.00002.
gnomAD v4.1: 76 of 1,613,066 alleles (0.0047%); highest among the groups gnomAD compares: South Asian, 0.022%; 1 homozygote.

Submissions (3):

Labcorp Genetics (formerly Invitae), Labcorp
Classification: Uncertain significance for Hereditary motor and sensory neuropathy, Okinawa type; Hereditary spastic paraplegia 57. Last evaluated: 2025-06-01. Review status: criteria provided, single submitter. Criteria: Invitae Variant Classification Sherloc (09022015). Collection method: clinical testing. Allele origin: germline.
Comment: This sequence change replaces glutamine, which is neutral and polar, with histidine, which is basic and polar, at codon 246 of the TFG protein (p.Gln246His). This variant is present in population databases (rs370273888, gnomAD 0.04%), including at least one homozygous and/or hemizygous individual. This variant has not been reported in the literature in individuals affected with TFG-related conditions. ClinVar contains an entry for this variant (Variation ID: 1039628). Invitae Evidence Modeling of protein sequence and biophysical properties (such as structural, functional, and spatial information, amino acid conservation, physicochemical variation, residue mobility, and thermodynamic stability) indicates that this missense variant is not expected to disrupt TFG protein function with a negative predictive value of 80%. In summary, the available evidence is currently insufficient to determine the role of this variant in disease. Therefore, it has been classified as a Variant of Uncertain Significance.

Mayo Clinic Laboratories, Mayo Clinic
Classification: Uncertain significance. Last evaluated: 2020-12-23. Review status: criteria provided, single submitter. Criteria: ACMG Guidelines, 2015. Collection method: clinical testing. Allele origin: germline. Observed: 1 variant allele.

Ambry Genetics
Classification: Likely benign for Inborn genetic diseases. Last evaluated: 2020-05-19. Review status: criteria provided, single submitter. Criteria: Ambry Variant Classification Scheme 2023. Collection method: clinical testing. Allele origin: germline.

NM_006070.6(TFG):c.738G>C (p.Gln246His)

Gene: TFG (trafficking from ER to golgi regulator; plus strand). Cytogenetic location: 3q12.2.
Variant type: single nucleotide variant.
Coding change: c.738G>C on transcript NM_006070.6 (MANE Select); coding-DNA position 738, G replaced by C.
Protein change: p.Gln246His; replaces glutamine 246 with histidine.
Molecular consequence: missense variant.
Genome position (GRCh38, 1-based): chr3:100,744,849, G>C. VCF-style: chr3-100744849-G-C. GRCh37 (hg19) VCF-style: chr3-100463693-G-C.
Other names: c.738G>C, p.Gln246His (NM_001007565.2, NM_001195478.2); c.726G>C, p.Gln242His (NM_001195479.2); short protein forms Q242H, Q246H.
Identifiers: ClinVar variation 1039628 (VCV001039628.13), dbSNP rs370273888, ClinGen allele CA2517183.